The following is an entry in ClinVar:

ClinVar aggregate classification (germline): Likely benign. Review status: criteria provided, multiple submitters, no conflicts (2 of 4 stars). 5 submissions from 5 submitters: Likely benign (4). 1 of the submissions does not count toward it. Last evaluated 2026-01-31.

Conditions:
Pituitary adenoma 5, multiple types. Identifiers: MedGen C4539685, MONDO:0054601, OMIM 617540.
Usher syndrome type 1D (USH1D). Also called: USHER SYNDROME, TYPE ID. Identifiers: Orphanet 231169, Orphanet 886, MedGen C1832845, MONDO:0010984, OMIM 601067.
Autosomal recessive nonsyndromic hearing loss 12. Also called: DEAFNESS, AUTOSOMAL RECESSIVE 12. Identifiers: Orphanet 90636, MedGen C1832394, MONDO:0011067, OMIM 601386.
Usher syndrome type 1 (USH1). Also called: RETINITIS PIGMENTOSA AND CONGENITAL DEAFNESS. Identifiers: Orphanet 231169, Orphanet 886, MedGen C1568247, MONDO:0010168, OMIM 276900.

Allele frequency attached by ClinVar (database versions not stated): TOPMed 0.00013; ESP Exome Variant Server 0.00016.
gnomAD v4.1: 85 of 1,613,768 alleles (0.0053%); highest among the groups gnomAD compares: Middle Eastern, 0.033%; no homozygotes.

Submissions (5):

Labcorp Genetics (formerly Invitae), Labcorp
Classification: Likely benign. Last evaluated: 2026-01-31. Review status: criteria provided, single submitter. Criteria: Invitae Variant Classification Sherloc (09022015). Collection method: clinical testing. Allele origin: germline.

Blueprint Genetics
Classification: Likely benign. Last evaluated: 2023-08-15. Review status: criteria provided, single submitter. Criteria: ACMG Guidelines, 2015. Collection method: clinical testing. Allele origin: germline.

CeGaT Center for Human Genetics Tuebingen
Classification: Likely benign. Last evaluated: 2022-11-01. Review status: criteria provided, single submitter. Criteria: CeGaT Center For Human Genetics Tuebingen Variant Classification Criteria Version 2. Collection method: clinical testing. Allele origin: germline. Affected: yes. Observed: 1 variant allele.
Comment: CDH23: BP4, BP7

Fulgent Genetics
Classification: Likely benign for Usher syndrome type 1D; Autosomal recessive nonsyndromic hearing loss 12; Pituitary adenoma 5, multiple types. Last evaluated: 2021-10-28. Review status: criteria provided, single submitter. Criteria: ACMG Guidelines, 2015. Collection method: clinical testing. Allele origin: unknown.

Natera, Inc.
Classification: Uncertain significance for Usher syndrome type 1. Last evaluated: 2020-03-10. Review status: no assertion criteria provided. Collection method: clinical testing. Allele origin: germline. Not counted in ClinVar's aggregate classification.

NM_022124.6(CDH23):c.8229C>T (p.Arg2743=)

Gene: CDH23 (cadherin related 23; plus strand). Cytogenetic location: 10q22.1.
Variant type: single nucleotide variant.
Coding change: c.8229C>T on transcript NM_022124.6 (MANE Select); coding-DNA position 8229, C replaced by T.
Protein change: p.Arg2743=; no amino-acid change (arginine 2743 retained).
Molecular consequence: synonymous variant.
Genome position (GRCh38, 1-based): chr10:71,807,327, C>T. VCF-style: chr10-71807327-C-T. GRCh37 (hg19) VCF-style: chr10-73567084-C-T.
Other names: c.1509C>T, p.Arg503= (NM_001171933.1, NM_001171934.1).
Identifiers: ClinVar variation 797218 (VCV000797218.37), dbSNP rs372996083, ClinGen allele CA5546580.